The following is an entry in ClinVar:

ClinVar aggregate classification (germline): Pathogenic (1 of 4 stars; one submission).

Conditions:
Patterned macular dystrophy 1. Also called: MACULAR DYSTROPHY, BUTTERFLY-SHAPED PIGMENTARY; BUTTERFLY DYSTROPHY OF RETINAL PIGMENT EPITHELIUM. Identifiers: Orphanet 99001, MedGen C4551999, MONDO:0008210, OMIM 169150.

Submission:

Victorian Clinical Genetics Services, Murdoch Childrens Research Institute
Classification: Pathogenic for Patterned macular dystrophy 1. Last evaluated: 2024-10-09. Review status: criteria provided, single submitter. Criteria: ACMG Guidelines, 2015. Collection method: clinical testing. Allele origin: germline. Inheritance: Autosomal dominant inheritance. Affected: yes.
Comment: Based on the classification scheme VCGS_Germline_v1.3.4, this variant is classified as Pathogenic. Following criteria are met: 0103 - Loss of function is an established mechanism of disease in this gene and is associated with missense and protein truncating variants. Dominant negative and gain of function are suspected mechanisms for some missense variants (PMID: 31914632). (I) 0108 - This gene is associated with both recessive and dominant disease; however, there is no clear genotype-phenotype correlation (OMIM; PMID: 31914632). (I) 0112 - The condition associated with this gene has incomplete penetrance. Incomplete penetrance has been observed in individuals with autosomal dominant disease (PMID: 36609934) . (I) 0115 - Variants in this gene are known to have variable expressivity. Intrafamilial variation has been observed (PMID: 37047703). (I) 0205 - Variant is predicted to result in a truncated protein (premature termination codon is NOT located at least 54 nucleotides upstream of the final exon-exon junction) with less than 1/3 of the protein sequence affected. (SP) 0251 - This variant is heterozygous. (I) 0301 - Variant is absent from gnomAD (both v2 and v3). (SP) 0604 - Variant is not located in an established domain, motif, hotspot or informative constraint region. (I) 0701 - Other truncating variants comparable to the one identified in this case have very strong previous evidence for pathogenicity (DECIPHER). (SP) 0807 - This variant has no previous evidence of pathogenicity. (I) 0905 - No published segregation evidence has been identified for this variant. (I) 1007 - No published functional evidence has been identified for this variant. (I) 1208 - Inheritance information for this variant is not currently available in this individual. (I) Legend: (SP) - Supporting pathogenic, (I) - Information, (SB) - Supporting benign

Literature cited by the submitters: PubMed 31914632; PubMed 36609934; PubMed 37047703.

NM_000322.5(PRPH2):c.863dup (p.Ser289fs)

Gene: PRPH2 (peripherin 2; minus strand). Cytogenetic location: 6p21.1.
Variant type: Duplication.
Coding change: c.863dup on transcript NM_000322.5 (MANE Select); coding-DNA position 863, one base duplicated (C; older notation c.863dupC).
Protein change: p.Ser289fs; shifts the reading frame from serine 289.
Molecular consequence: frameshift variant.
Genome position (GRCh38, 1-based): chr6:42,698,473, G duplicated on the plus strand (C on the coding strand, the reverse complement: PRPH2 is on the minus strand). VCF-style (leftmost placement, unchanged base first): chr6-42698472-C-CG. GRCh37 (hg19) VCF-style: chr6-42666210-C-CG.
Other names: short protein forms S289fs.
Identifiers: ClinVar variation 3377118 (VCV003377118.1).